The following is an entry in ClinVar:

ClinVar aggregate classification (germline): Likely benign (1 of 4 stars; one submission).

Submission:

CeGaT Center for Human Genetics Tuebingen
Classification: Likely benign. Last evaluated: 2026-05-01. Review status: criteria provided, single submitter. Criteria: CeGaT Center For Human Genetics Tuebingen Variant Classification Criteria Version 2. Collection method: clinical testing. Allele origin: germline. Affected: yes. Observed: 1 variant allele.
Comment: MUC5B: PM4, BS1

NM_002458.3(MUC5B):c.14609_14610insCCCAGGGACCACCTGGATCCTCACAGAGTCGAGCACTACAGCCACCGTGACGGTGCCCACCAGCTCCACGGCCACCGCCTCCTCCAC (p.Thr4870_Leu4871insProGlyThrThrTrpIleLeuThrGluSerSerThrThrAlaThrValThrValProThrSerSerThrAlaThrAlaSerSerThr)

Gene: MUC5B (mucin 5B, oligomeric mucus/gel-forming; plus strand). Cytogenetic location: 11p15.5.
Variant type: Insertion.
Coding change: c.14609_14610insCCCAGGGACCACCTGGATCCTCACAGAGTCGAGCACTACAGCCACCGTGACGGTGCCCACCAGCTCCACGGCCACCGCCTCCTCCAC on transcript NM_002458.3 (MANE Select); coding-DNA positions 14609 to 14610, CCCAGGGACCACCTGGATCCTCACAGAGTCGAGCACTACAGCCACCGTGACGGTGCCCACCAGCTCCACGGCCACCGCCTCCTCCAC inserted.
Protein change: p.Thr4870_Leu4871insProGlyThrThrTrpIleLeuThrGluSerSerThrThrAlaThrValThrValProThrSerSerThrAlaThrAlaSerSerThr.
Molecular consequence: inframe insertion.
Genome position: GRCh38: chr11:1,251,489-1,251,490. GRCh37 (hg19): chr11:1,272,719-1,272,720.
Identifiers: ClinVar variation 4873016 (VCV004873016.2).